The following is an entry in ClinVar:

NM_004370.6(COL12A1):c.8303G>C (p.Gly2768Ala)

Gene: COL12A1 (collagen type XII alpha 1 chain; minus strand). Cytogenetic location: 6q13.
Variant type: single nucleotide variant.
Coding change: c.8303G>C on transcript NM_004370.6 (MANE Select); coding-DNA position 8303, G replaced by C.
Protein change: p.Gly2768Ala; replaces glycine 2768 with alanine.
Molecular consequence: missense variant.
Genome position (GRCh38, 1-based): chr6:75,103,773, C>G on the plus strand (G>C on the coding strand, the complement: COL12A1 is on the minus strand). VCF-style: chr6-75103773-C-G. GRCh37 (hg19) VCF-style: chr6-75813489-C-G.
Other names: c.8303G>C, p.Gly2768Ala (NM_001424113.1); c.8282G>C, p.Gly2761Ala (NM_001424114.1); c.8030G>C, p.Gly2677Ala (NM_001424115.1); c.4811G>C, p.Gly1604Ala (NM_001424116.1, NM_080645.3); short protein forms G2677A, G2768A, G2761A, G1604A.
Identifiers: ClinVar variation 4783024 (VCV004783024.1).

ClinVar aggregate classification (germline): Uncertain significance (1 of 4 stars; one submission).

Conditions:
Ullrich congenital muscular dystrophy 2 (UCMD2). Identifiers: Orphanet 75840, MedGen C4225314, MONDO:0014654, OMIM 616470.
Bethlem myopathy 2 (BTHLM2). Identifiers: Orphanet 536516, Orphanet 610, MedGen C4225313, MONDO:0034022, OMIM 616471.

Submission:

Labcorp Genetics (formerly Invitae), Labcorp
Classification: Uncertain significance for Bethlem myopathy 2; Ullrich congenital muscular dystrophy 2. Last evaluated: 2025-05-18. Review status: criteria provided, single submitter. Criteria: Invitae Variant Classification Sherloc (09022015). Collection method: clinical testing. Allele origin: germline.
Comment: This sequence change replaces glycine, which is neutral and non-polar, with alanine, which is neutral and non-polar, at codon 2768 of the COL12A1 protein (p.Gly2768Ala). This variant is not present in population databases (gnomAD no frequency). This variant has not been reported in the literature in individuals affected with COL12A1-related conditions. Invitae Evidence Modeling of protein sequence and biophysical properties (such as structural, functional, and spatial information, amino acid conservation, physicochemical variation, residue mobility, and thermodynamic stability) has been performed for this missense variant. However, the output from this modeling did not meet the statistical confidence thresholds required to predict the impact of this variant on COL12A1 protein function. In summary, the available evidence is currently insufficient to determine the role of this variant in disease. Therefore, it has been classified as a Variant of Uncertain Significance.